The following is an entry in ClinVar:

ClinVar aggregate classification (germline): Likely benign. Review status: criteria provided, multiple submitters, no conflicts (2 of 4 stars). 2 submissions from 2 submitters: Likely benign (2). Last evaluated 2023-11-30.

Conditions:
Malignant hyperthermia, susceptibility to, 5 (MHS5). Also called: CACNA1S-Related Malignant Hyperthermia Susceptibility. Identifiers: Orphanet 423, MedGen C1866077, MONDO:0011163, OMIM 601887.
Hypokalemic periodic paralysis, type 1. Also called: HypoPP; Hypokalemic Periodic Paralysis Type 1 (AD). Identifiers: Orphanet 681, MedGen C3714580, MONDO:0042979, OMIM 170400.

gnomAD v4.1: 1 of 1,613,696 alleles (0.000062%); highest among the groups gnomAD compares: Non-Finnish European, 0.000085%; no homozygotes.

Submissions (2):

All of Us Research Program, National Institutes of Health
Classification: Likely benign for Malignant hyperthermia, susceptibility to, 5. Last evaluated: 2023-11-30. Review status: criteria provided, single submitter. Criteria: ACMG Guidelines, 2015. Collection method: clinical testing. Allele origin: germline. Inheritance: Autosomal dominant inheritance. Observed: 4 variant alleles, 4 heterozygotes.
Comment: This study involves interpretation of variants in research participants for the purpose of population health screening. Participant phenotype was not available at the time of variant classification. Additional details can be found in publication PMID: 35346344, PMCID: PMC8962531

Labcorp Genetics (formerly Invitae), Labcorp
Classification: Likely benign for Hypokalemic periodic paralysis, type 1; Malignant hyperthermia, susceptibility to, 5. Last evaluated: 2022-06-27. Review status: criteria provided, single submitter. Criteria: Invitae Variant Classification Sherloc (09022015). Collection method: clinical testing. Allele origin: germline.

NM_000069.3(CACNA1S):c.1035G>A (p.Lys345=)

Gene: CACNA1S (calcium voltage-gated channel subunit alpha1 S; minus strand). Cytogenetic location: 1q32.1.
Variant type: single nucleotide variant.
Coding change: c.1035G>A on transcript NM_000069.3 (MANE Select); coding-DNA position 1035, G replaced by A.
Protein change: p.Lys345=; no amino-acid change (lysine 345 retained).
Molecular consequence: synonymous variant.
Genome position (GRCh38, 1-based): chr1:201,085,551, C>T on the plus strand (G>A on the coding strand, the complement: CACNA1S is on the minus strand). VCF-style: chr1-201085551-C-T. GRCh37 (hg19) VCF-style: chr1-201054679-C-T.
Identifiers: ClinVar variation 2069529 (VCV002069529.5), dbSNP rs2464599467, ClinGen allele CA422693473.